The following is an entry in ClinVar:

ClinVar aggregate classification (germline): Likely benign. Review status: criteria provided, multiple submitters, no conflicts (2 of 4 stars). 3 submissions from 3 submitters: Likely benign (2). 1 of the submissions does not count toward it. Last evaluated 2026-07-01.

Conditions:
SOST-related disorder. Also called: SOST-related condition.

Allele frequency attached by ClinVar (database versions not stated): ExAC 0.00001; gnomAD exomes 0.00002 and 0.00003; gnomAD 0.00007 and 0.00009; ESP Exome Variant Server 0.00008; TOPMed 0.00010.
gnomAD v4.1: 44 of 1,613,826 alleles (0.0027%); highest among the groups gnomAD compares: African/African-American, 0.024%; no homozygotes.

Submissions (3):

CeGaT Center for Human Genetics Tuebingen
Classification: Likely benign. Last evaluated: 2026-07-01. Review status: criteria provided, single submitter. Criteria: CeGaT Center For Human Genetics Tuebingen Variant Classification Criteria Version 2. Collection method: clinical testing. Allele origin: germline. Affected: yes. Observed: 1 variant allele.
Comment: SOST: BP4, BP7

Labcorp Genetics (formerly Invitae), Labcorp
Classification: Likely benign. Last evaluated: 2022-06-22. Review status: criteria provided, single submitter. Criteria: Invitae Variant Classification Sherloc (09022015). Collection method: clinical testing. Allele origin: germline.

PreventionGenetics, part of Exact Sciences
Classification: Likely benign for SOST-related condition. Last evaluated: 2019-05-20. Review status: no assertion criteria provided. Collection method: clinical testing. Allele origin: germline. Not counted in ClinVar's aggregate classification.
Comment: This variant is classified as likely benign based on ACMG/AMP sequence variant interpretation guidelines (Richards et al. 2015 PMID: 25741868, with internal and published modifications).

NM_025237.3(SOST):c.198C>T (p.Pro66=)

Gene: SOST (sclerostin; minus strand). Cytogenetic location: 17q21.31.
Variant type: single nucleotide variant.
Coding change: c.198C>T on transcript NM_025237.3 (MANE Select); coding-DNA position 198, C replaced by T.
Protein change: p.Pro66=; no amino-acid change (proline 66 retained).
Molecular consequence: synonymous variant.
Genome position (GRCh38, 1-based): chr17:43,758,544, G>A on the plus strand (C>T on the coding strand, the complement: SOST is on the minus strand). VCF-style: chr17-43758544-G-A. GRCh37 (hg19) VCF-style: chr17-41835912-G-A.
Identifiers: ClinVar variation 747371 (VCV000747371.11), dbSNP rs373309667, ClinGen allele CA8592847.